The following is an entry in ClinVar:

NM_013266.4(CTNNA3):c.2354T>C (p.Val785Ala)

Gene: CTNNA3 (catenin alpha 3; minus strand). Cytogenetic location: 10q21.3.
Variant type: single nucleotide variant.
Coding change: c.2354T>C on transcript NM_013266.4 (MANE Select); coding-DNA position 2354, T replaced by C.
Protein change: p.Val785Ala; replaces valine 785 with alanine.
Molecular consequence: missense variant.
Genome position (GRCh38, 1-based): chr10:65,966,658, A>G on the plus strand (T>C on the coding strand, the complement: CTNNA3 is on the minus strand). VCF-style: chr10-65966658-A-G. GRCh37 (hg19) VCF-style: chr10-67726416-A-G.
Other names: c.2354T>C, p.Val785Ala (NM_001127384.3); short protein forms V785A.
Identifiers: ClinVar variation 2715909 (VCV002715909.3), dbSNP rs2492643515, ClinGen allele CA377089973.

ClinVar aggregate classification (germline): Uncertain significance (1 of 4 stars; one submission).

Conditions:
Arrhythmogenic right ventricular dysplasia 13. Also called: Arrhythmogenic right ventricular dysplasia, familial, 13; ARRHYTHMOGENIC RIGHT VENTRICULAR CARDIOMYOPATHY 13. Identifiers: MedGen C3810138, MONDO:0000908, OMIM 615616.

Submission:

Labcorp Genetics (formerly Invitae), Labcorp
Classification: Uncertain significance for Arrhythmogenic right ventricular dysplasia 13. Last evaluated: 2026-01-15. Review status: criteria provided, single submitter. Criteria: Invitae Variant Classification Sherloc (09022015). Collection method: clinical testing. Allele origin: germline.
Comment: This sequence change replaces valine, which is neutral and non-polar, with alanine, which is neutral and non-polar, at codon 785 of the CTNNA3 protein (p.Val785Ala). This variant is not present in population databases (gnomAD no frequency). This variant has not been reported in the literature in individuals affected with CTNNA3-related conditions. ClinVar contains an entry for this variant (Variation ID: 2715909). Invitae Evidence Modeling of protein sequence and biophysical properties (such as structural, functional, and spatial information, amino acid conservation, physicochemical variation, residue mobility, and thermodynamic stability) indicates that this missense variant is expected to disrupt CTNNA3 protein function with a positive predictive value of 80%. In summary, the available evidence is currently insufficient to determine the role of this variant in disease. Therefore, it has been classified as a Variant of Uncertain Significance.